The following is an entry in ClinVar:

ClinVar aggregate classification (germline): Uncertain significance. Review status: criteria provided, multiple submitters, no conflicts (2 of 4 stars). 3 submissions from 3 submitters: Uncertain significance (3). Last evaluated 2025-12-09.

Conditions:
Inborn genetic diseases. Identifiers: MedGen C0950123, MeSH D030342.
Developmental delay with variable intellectual impairment and behavioral abnormalities. Identifiers: MedGen C5193092, MONDO:0032745, OMIM 618430.

Allele frequency attached by ClinVar (database versions not stated): gnomAD exomes 0.00001; gnomAD 0.00002; ExAC 0.00002; TOPMed 0.00002.
gnomAD v4.1: 15 of 1,613,844 alleles (0.00093%); highest among the groups gnomAD compares: East Asian, 0.011%; no homozygotes.

Submissions (3):

Ambry Genetics
Classification: Uncertain significance for Inborn genetic diseases. Last evaluated: 2025-12-09. Review status: criteria provided, single submitter. Criteria: Ambry Variant Classification Scheme 2023. Collection method: clinical testing. Allele origin: germline.

Pittsburgh Clinical Genomics Laboratory, University of Pittsburgh Medical Center
Classification: Uncertain significance for Developmental delay with variable intellectual impairment and behavioral abnormalities. Last evaluated: 2023-11-24. Review status: criteria provided, single submitter. Criteria: ACMG Guidelines, 2015. Collection method: clinical testing. Allele origin: germline. Inheritance: Autosomal dominant inheritance. Affected: yes.
Comment: This sequence variant is a single nucleotide substitution (G>A) at position 34 of the coding sequence of the TCF20 gene that results in a glycine to arginine amino acid change at residue 12 of the transcription factor 20 protein. This is a previously reported variant (ClinVar 2437018) that has not been observed in individuals affected by TCF20-related disorder in the published literature, to our knowledge. This variant is present in 5 of 403,304 alleles (0.0012%) in the gnomAD population dataset. Multiple bioinformatic tools predict that this Gly to Arg amino acid change would be damaging, and the Gly12 residue at this position is highly conserved across the vertebrate species examined. Studies examining the functional consequence of this variant have not been published, to our knowledge. At this time, there is insufficient evidence to determine if this variant is pathogenic or benign. Therefore, we consider this a variant of uncertain significance. ACMG Criteria: PM2, PP3

Revvity Omics, Revvity
Classification: Uncertain significance for Developmental delay with variable intellectual impairment and behavioral abnormalities. Last evaluated: 2021-06-28. Review status: criteria provided, single submitter. Criteria: ACMG Guidelines, 2015. Collection method: clinical testing. Allele origin: germline.

NM_001378418.1(TCF20):c.34G>A (p.Gly12Arg)

Gene: TCF20 (transcription factor 20; minus strand). Cytogenetic location: 22q13.2.
Variant type: single nucleotide variant.
Coding change: c.34G>A on transcript NM_001378418.1 (MANE Select); coding-DNA position 34, G replaced by A.
Protein change: p.Gly12Arg; replaces glycine 12 with arginine.
Molecular consequence: missense variant.
Genome position (GRCh38, 1-based): chr22:42,215,272, C>T on the plus strand (G>A on the coding strand, the complement: TCF20 is on the minus strand). VCF-style: chr22-42215272-C-T. GRCh37 (hg19) VCF-style: chr22-42611278-C-T.
Other names: c.34G>A (NM_005650.1); c.34G>A, p.Gly12Arg (NM_005650.4, NM_181492.3); short protein forms G12R.
Identifiers: ClinVar variation 2437018 (VCV002437018.5), dbSNP rs568221069, ClinGen allele CA10267459.